The following is an entry in ClinVar:

NM_000090.4(COL3A1):c.998G>A (p.Gly333Asp)

Gene: COL3A1 (collagen type III alpha 1 chain; plus strand). Cytogenetic location: 2q32.2.
Variant type: single nucleotide variant.
Coding change: c.998G>A on transcript NM_000090.4 (MANE Select); coding-DNA position 998, G replaced by A.
Protein change: p.Gly333Asp; replaces glycine 333 with aspartic acid.
Molecular consequence: missense variant.
Genome position (GRCh38, 1-based): chr2:188,992,888, G>A. VCF-style: chr2-188992888-G-A. GRCh37 (hg19) VCF-style: chr2-189857614-G-A.
Identifiers: ClinVar variation 101430 (VCV000101430.8), dbSNP rs587779673, ClinGen allele CA007778.

ClinVar aggregate classification (germline): Pathogenic/Likely pathogenic. Review status: criteria provided, multiple submitters, no conflicts (2 of 4 stars). 5 submissions from 5 submitters: Pathogenic (2); Likely pathogenic (2). 1 of the submissions does not count toward it. Last evaluated 2026-04-10.

Conditions:
Ehlers-Danlos syndrome, type 4 (EDSVASC). Also called: Ehlers-Danlos syndrome vascular type; Ehlers Danlos syndrome, ecchymotic type; Ehlers Danlos syndrome, arterial type; Ehlers Danlos syndrome, Sack-Barabas type; Ehlers-Danlos Syndrome Type IV. Identifiers: Orphanet 286, MedGen C0268338, MONDO:0017314, OMIM 130050.

Submissions (5):

Women's Health and Genetics/Laboratory Corporation of America, LabCorp
Classification: Pathogenic for Ehlers-Danlos syndrome, type 4. Last evaluated: 2026-04-10. Review status: criteria provided, single submitter. Criteria: LabCorp Variant Classification Summary - May 2015. Collection method: clinical testing. Allele origin: germline.
Comment: Variant summary: COL3A1 c.998G>A (p.Gly333Asp) results in a non-conservative amino acid change in the encoded protein sequence. This variant disrupts the triple helix domain of COL3A1. Glycine residues within the Gly-Xaa-Yaa repeats of the triple helix domain are required for the structure and stability of fibrillar collagens (PMID: 7695699, 8218237, 19344236). Algorithms developed to predict the effect of missense changes on protein structure and function all suggest that this variant is likely to be disruptive. Consensus agreement among computation tools predict no significant impact on normal splicing. However, these predictions have yet to be confirmed by functional studies. The variant was absent in 251338 control chromosomes. c.998G>A has been observed in multiple individuals affected with Ehlers-Danlos Syndrome, Vascular Type (Pepin_2014, Bowen_2023, Stephens_2023, internal data). These data indicate that the variant is very likely to be associated with disease. To our knowledge, no experimental evidence demonstrating an impact on protein function has been reported. The following publications have been ascertained in the context of this evaluation (PMID: 36977837, 24922459, 37776192). ClinVar contains an entry for this variant (Variation ID: 101430). Based on the evidence outlined above, the variant was classified as pathogenic.

GeneDx
Classification: Pathogenic. Last evaluated: 2025-06-27. Review status: criteria provided, single submitter. Criteria: GeneDx Variant Classification Process June 2021. Collection method: clinical testing. Allele origin: germline. Affected: yes.
Comment: Identified in two individuals with vascular Ehlers-Danlos syndrome (vEDS) in published literature (PMID: 24922459); Occurs in the triple helical domain and replaces the glycine in the canonical Gly-X-Y repeat; missense substitution of a canonical glycine residue is expected to disrupt normal protein folding and function, and this is an established mechanism of disease (HGMD); Not observed at significant frequency in large population cohorts (gnomAD); In silico analysis supports that this missense variant has a deleterious effect on protein structure/function; This variant is associated with the following publications: (PMID: 24922459)

All of Us Research Program, National Institutes of Health
Classification: Likely pathogenic for Ehlers-Danlos syndrome, type 4. Last evaluated: 2023-06-26. Review status: criteria provided, single submitter. Criteria: ACMG Guidelines, 2015. Collection method: clinical testing. Allele origin: germline. Inheritance: Autosomal dominant inheritance. Observed: 1 variant allele, 1 heterozygote.
Comment: This missense variant replaces glycine with aspartic acid at codon 333 of the COL3A1 protein. This variant changes one of the conserved glycine residues within the Gly-Xaa-Yaa repeat motifs of the triple helical domain of the COL3A1 protein that are required for the structure and stability of fibrillar collagens (PMID: 7695699, 8218237, 19344236). Computational prediction suggests that this variant may have deleterious impact on protein structure and function (internally defined REVEL score threshold >= 0.7, PMID: 27666373). This variant has been reported in three individuals affected with vascular Ehlers-Danlos syndrome (PMID: 24922459, LOVD DB individual #00431606). This variant has not been identified in the general population by the Genome Aggregation Database (gnomAD). Based on the available evidence, this variant is classified as Likely Pathogenic.

This study involves interpretation of variants in research participants for the purpose of population health screening. Participant phenotype was not available at the time of variant classification. Additional details can be found in publication PMID: 35346344, PMCID: PMC8962531

Labcorp Genetics (formerly Invitae), Labcorp
Classification: Likely pathogenic for Ehlers-Danlos syndrome, type 4. Last evaluated: 2023-05-23. Review status: criteria provided, single submitter. Criteria: Invitae Variant Classification Sherloc (09022015). Collection method: clinical testing. Allele origin: germline.
Comment: Experimental studies and prediction algorithms are not available or were not evaluated, and the functional significance of this variant is currently unknown. ClinVar contains an entry for this variant (Variation ID: 101430). This missense change has been observed in individual(s) with arterial dissection and/or Ehlers-Danlos syndrome (PMID: 24922459; Invitae). This variant is not present in population databases (gnomAD no frequency). This sequence change replaces glycine, which is neutral and non-polar, with aspartic acid, which is acidic and polar, at codon 333 of the COL3A1 protein (p.Gly333Asp). This variant disrupts the triple helix domain of COL3A1. Glycine residues within the Gly-Xaa-Yaa repeats of the triple helix domain are required for the structure and stability of fibrillar collagens (PMID: 7695699, 8218237, 19344236). In COL3A1, variants that affect these glycine residues are significantly enriched in individuals with disease (PMID: 24922459, 25758994) compared to the general population (ExAC). In summary, the currently available evidence indicates that the variant is pathogenic, but additional data are needed to prove that conclusively. Therefore, this variant has been classified as Likely Pathogenic.

Collagen Diagnostic Laboratory, University of Washington
Classification: Pathogenic for Ehlers-Danlos syndrome, type 4. Review status: no assertion criteria provided. Collection method: clinical testing. Allele origin: germline. Affected: yes. Not counted in ClinVar's aggregate classification.

Literature cited by the submitters: PubMed 24922459 (cited by 3 submitters); PubMed 36977837 (cited by Women's Health and Genetics/Laboratory Corporation of America, LabCorp); PubMed 37776192 (cited by Women's Health and Genetics/Laboratory Corporation of America, LabCorp); PubMed 7695699 (cited by All of Us Research Program, National Institutes of Health and Labcorp Genetics (formerly Invitae), Labcorp); PubMed 8218237 (cited by All of Us Research Program, National Institutes of Health and Labcorp Genetics (formerly Invitae), Labcorp); PubMed 19344236 (cited by All of Us Research Program, National Institutes of Health and Labcorp Genetics (formerly Invitae), Labcorp); PubMed 25758994 (cited by Labcorp Genetics (formerly Invitae), Labcorp).